The following is an entry in ClinVar:

ClinVar aggregate classification (germline): Uncertain significance (1 of 4 stars; one submission).

Conditions:
Episodic kinesigenic dyskinesia (EKD). Also called: Paroxysmal kinesigenic dyskinesia. Identifiers: Orphanet 98809, MedGen C1868682, MONDO:0044202.

Submission:

Labcorp Genetics (formerly Invitae), Labcorp
Classification: Uncertain significance for Episodic kinesigenic dyskinesia. Last evaluated: 2025-02-23. Review status: criteria provided, single submitter. Criteria: Invitae Variant Classification Sherloc (09022015). Collection method: clinical testing. Allele origin: germline.
Comment: This sequence change replaces asparagine, which is neutral and polar, with threonine, which is neutral and polar, at codon 335 of the PRRT2 protein (p.Asn335Thr). This variant is not present in population databases (gnomAD no frequency). This variant has not been reported in the literature in individuals affected with PRRT2-related conditions. ClinVar contains an entry for this variant (Variation ID: 2706021). Invitae Evidence Modeling of protein sequence and biophysical properties (such as structural, functional, and spatial information, amino acid conservation, physicochemical variation, residue mobility, and thermodynamic stability) has been performed for this missense variant. However, the output from this modeling did not meet the statistical confidence thresholds required to predict the impact of this variant on PRRT2 protein function. In summary, the available evidence is currently insufficient to determine the role of this variant in disease. Therefore, it has been classified as a Variant of Uncertain Significance.

NM_145239.3(PRRT2):c.1004A>C (p.Asn335Thr)

Genes: MVP-DT (MVP divergent transcript; minus strand), PRRT2 (proline rich transmembrane protein 2; plus strand). Cytogenetic location: 16p11.2.
Variant type: single nucleotide variant.
Coding change: c.1004A>C on transcript NM_145239.3 (MANE Select); coding-DNA position 1004, A replaced by C.
Protein change: p.Asn335Thr; replaces asparagine 335 with threonine.
Molecular consequence: missense variant. On other transcripts: 3 prime UTR variant (1).
Genome position (GRCh38, 1-based): chr16:29,814,457, A>C. VCF-style: chr16-29814457-A-C. GRCh37 (hg19) VCF-style: chr16-29825778-A-C.
Other names: c.1004A>C, p.Asn335Thr (NM_001256442.2); c.*503A>C (NM_001256443.2); short protein forms N335T.
Identifiers: ClinVar variation 2706021 (VCV002706021.3), dbSNP rs774242702, ClinGen allele CA395480845.
Genomic context (GRCh38, chr16:29,814,457, plus strand): 5'-TCTTAAGCATCGTGGCGCTGGTGGGGGGAGTCCTCATCATCATCGCCTCCTGCGTCATCA[A>C]CTTAGGCGGTGAGTGGGGGCTTGGGACAGGCAGGGGAGGAATGGAAGGGTTGGCAAGGGC-3'
Protein context (NP_660282.2, residues 325-340): VLIIIASCVI[Asn335Thr]LGVYK